The following is an entry in ClinVar:

NM_005502.4(ABCA1):c.269C>T (p.Ala90Val)

Gene: ABCA1 (ATP binding cassette subfamily A member 1; minus strand). Cytogenetic location: 9q31.1.
Variant type: single nucleotide variant.
Coding change: c.269C>T on transcript NM_005502.4 (MANE Select); coding-DNA position 269, C replaced by T.
Protein change: p.Ala90Val; replaces alanine 90 with valine.
Molecular consequence: missense variant.
Genome position (GRCh38, 1-based): chr9:104,884,460, G>A on the plus strand (C>T on the coding strand, the complement: ABCA1 is on the minus strand). VCF-style: chr9-104884460-G-A. GRCh37 (hg19) VCF-style: chr9-107646741-G-A.
Other names: short protein forms A90V.
Identifiers: ClinVar variation 3833158 (VCV003833158.1).

ClinVar aggregate classification (germline): Uncertain significance (1 of 4 stars; one submission).

Conditions:
Cardiovascular phenotype. Identifiers: MedGen CN230736.

gnomAD v4.1: 1 of 1,614,226 alleles (0.000062%); highest among the groups gnomAD compares: Non-Finnish European, 0.000085%; no homozygotes.

Submission:

Ambry Genetics
Classification: Uncertain significance for Cardiovascular phenotype. Last evaluated: 2025-01-16. Review status: criteria provided, single submitter. Criteria: Ambry Variant Classification Scheme 2023. Collection method: clinical testing. Allele origin: germline.
Comment: The p.A90V variant (also known as c.269C>T), located in coding exon 3 of the ABCA1 gene, results from a C to T substitution at nucleotide position 269. The alanine at codon 90 is replaced by valine, an amino acid with similar properties. This amino acid position is conserved. In addition, the in silico prediction for this alteration is inconclusive. Based on the available evidence, the clinical significance of this variant remains unclear.